The following is an entry in ClinVar:

ClinVar aggregate classification (germline): Uncertain significance. Review status: criteria provided, multiple submitters, no conflicts (2 of 4 stars). 4 submissions from 4 submitters: Uncertain significance (4). Last evaluated 2023-12-27.

Conditions:
Tuberous sclerosis 2 (TSC2). Identifiers: Orphanet 805, MedGen C1860707, MONDO:0013199, OMIM 613254.
Hereditary cancer-predisposing syndrome. Also called: Neoplastic Syndromes, Hereditary; Hereditary Cancer Syndrome; Hereditary neoplastic syndrome; Tumor predisposition. Identifiers: Orphanet 140162, MedGen C0027672, MeSH D009386, MONDO:0015356.

Allele frequency attached by ClinVar (database versions not stated): gnomAD exomes below 0.00001.
gnomAD v4.1: 1 of 1,614,208 alleles (0.000062%); highest among the groups gnomAD compares: Non-Finnish European, 0.000085%; no homozygotes.

Submissions (4):

Labcorp Genetics (formerly Invitae), Labcorp
Classification: Uncertain significance for Tuberous sclerosis 2. Last evaluated: 2023-12-27. Review status: criteria provided, single submitter. Criteria: Invitae Variant Classification Sherloc (09022015). Collection method: clinical testing. Allele origin: germline.
Comment: This sequence change replaces leucine, which is neutral and non-polar, with phenylalanine, which is neutral and non-polar, at codon 119 of the TSC2 protein (p.Leu119Phe). This variant is not present in population databases (gnomAD no frequency). This variant has not been reported in the literature in individuals affected with TSC2-related conditions. ClinVar contains an entry for this variant (Variation ID: 823927). Advanced modeling of protein sequence and biophysical properties (such as structural, functional, and spatial information, amino acid conservation, physicochemical variation, residue mobility, and thermodynamic stability) performed at Invitae indicates that this missense variant is not expected to disrupt TSC2 protein function with a negative predictive value of 95%. In summary, the available evidence is currently insufficient to determine the role of this variant in disease. Therefore, it has been classified as a Variant of Uncertain Significance.

Ambry Genetics
Classification: Uncertain significance for Hereditary cancer-predisposing syndrome. Last evaluated: 2023-11-22. Review status: criteria provided, single submitter. Criteria: Ambry Variant Classification Scheme 2023. Collection method: clinical testing. Allele origin: germline.
Comment: The p.L119F variant (also known as c.355C>T), located in coding exon 4 of the TSC2 gene, results from a C to T substitution at nucleotide position 355. The leucine at codon 119 is replaced by phenylalanine, an amino acid with highly similar properties. This amino acid position is highly conserved in available vertebrate species. In addition, the in silico prediction for this alteration is inconclusive. Since supporting evidence is limited at this time, the clinical significance of this alteration remains unclear.

Genome-Nilou Lab
Classification: Uncertain significance for Tuberous sclerosis 2. Last evaluated: 2021-11-07. Review status: criteria provided, single submitter. Criteria: ACMG Guidelines, 2015. Collection method: clinical testing. Allele origin: germline. Affected: no.

GeneDx
Classification: Uncertain significance. Last evaluated: 2019-04-11. Review status: criteria provided, single submitter. Criteria: GeneDx Variant Classification Process June 2021. Collection method: clinical testing. Allele origin: germline. Affected: yes.
Comment: Not observed in large population cohorts (Lek et al., 2016); Has not been previously published as pathogenic or benign to our knowledge

NM_000548.5(TSC2):c.355C>T (p.Leu119Phe)

Gene: TSC2 (TSC complex subunit 2; plus strand). Cytogenetic location: 16p13.3.
Variant type: single nucleotide variant.
Coding change: c.355C>T on transcript NM_000548.5 (MANE Select); coding-DNA position 355, C replaced by T.
Protein change: p.Leu119Phe; replaces leucine 119 with phenylalanine.
Molecular consequence: missense variant. On other transcripts: intron variant (1).
Genome position (GRCh38, 1-based): chr16:2,054,314, C>T. VCF-style: chr16-2054314-C-T. GRCh37 (hg19) VCF-style: chr16-2104315-C-T.
Other names: c.355C>T, p.Leu119Phe (NM_001077183.3, NM_001114382.3, NM_001363528.2 and 3 more transcripts); c.244C>T, p.Leu82Phe (NM_001318827.2); c.208C>T, p.Leu70Phe (NM_001318829.2); c.388C>T, p.Leu130Phe (NM_001318832.2); c.-1-1882C>T (NM_001318831.2); short protein forms L119F, L130F, L70F, L82F.
Identifiers: ClinVar variation 823927 (VCV000823927.17), dbSNP rs1596264734, ClinGen allele CA394306564.